The following is an entry in ClinVar:

ClinVar aggregate classification (germline): Benign. Review status: criteria provided, multiple submitters, no conflicts (2 of 4 stars). 2 submissions from 2 submitters: Benign (2). Last evaluated 2018-06-14.

Allele frequency attached by ClinVar (database versions not stated): 1000 Genomes Project 30x 0.50750; 1000 Genomes Project 0.50819; TOPMed 0.52044; gnomAD 0.52670 and 0.52805.
gnomAD v4.1: 416,056 of 825,678 alleles (50%); highest among the groups gnomAD compares: South Asian, 55%; 107,401 homozygotes.

Submissions (2):

GeneDx
Classification: Benign. Last evaluated: 2018-06-14. Review status: criteria provided, single submitter. Criteria: GeneDx Variant Classification (06012015). Collection method: clinical testing. Allele origin: germline. Affected: yes.
Comment: This variant is considered likely benign or benign based on one or more of the following criteria: it is a conservative change, it occurs at a poorly conserved position in the protein, it is predicted to be benign by multiple in silico algorithms, and/or has population frequency not consistent with disease.

Breakthrough Genomics
Classification: Benign. Review status: criteria provided, single submitter. Criteria: ACMG Guidelines, 2015. Collection method: not provided. Allele origin: germline. Inheritance: Autosomal dominant inheritance. Affected: yes.

NM_012470.4(TNPO3):c.1011+149T>A

Gene: TNPO3 (transportin 3; minus strand). Cytogenetic location: 7q32.1.
Variant type: single nucleotide variant.
Coding change: c.1011+149T>A on transcript NM_012470.4 (MANE Select); 149 bases into the intron after coding-DNA position 1011, T replaced by A.
Molecular consequence: intron variant.
Genome position (GRCh38, 1-based): chr7:129,000,280, A>T on the plus strand (T>A on the coding strand, the complement: TNPO3 is on the minus strand). VCF-style: chr7-129000280-A-T. GRCh37 (hg19) VCF-style: chr7-128640334-A-T.
Other names: c.867+149T>A (NM_001382221.1); c.1011+149T>A (NM_001382222.1, NM_001382219.1, NM_001382223.1 and 4 more transcripts); c.1092+149T>A (NM_001382217.1).
Identifiers: ClinVar variation 670773 (VCV000670773.2), dbSNP rs4728144, ClinGen allele CA12547674.